The following is an entry in ClinVar:

NM_016343.4(CENPF):c.9274C>T (p.Arg3092Ter)

Gene: CENPF (centromere protein F; plus strand). Cytogenetic location: 1q41.
Variant type: single nucleotide variant.
Coding change: c.9274C>T on transcript NM_016343.4 (MANE Select); coding-DNA position 9274, C replaced by T.
Protein change: p.Arg3092Ter; replaces arginine 3092 with a stop codon.
Molecular consequence: nonsense.
Genome position (GRCh38, 1-based): chr1:214,663,723, C>T. VCF-style: chr1-214663723-C-T. GRCh37 (hg19) VCF-style: chr1-214837066-C-T.
Other names: short protein forms R3092*.
Identifiers: ClinVar variation 4988003 (VCV004988003.1).

ClinVar aggregate classification (germline): Likely pathogenic (1 of 4 stars; one submission).

Conditions:
CENPF-related disorder. Also called: CENPF-related condition.

gnomAD v4.1: 71 of 1,614,046 alleles (0.0044%); highest among the groups gnomAD compares: South Asian, 0.0088%; no homozygotes.

Submission:

PreventionGenetics, part of Exact Sciences
Classification: Likely pathogenic for CENPF-related condition. Last evaluated: 2025-12-04. Review status: criteria provided, single submitter. Criteria: ACMG Guidelines, 2015. Collection method: clinical testing. Allele origin: germline.
Comment: The CENPF c.9274C>T variant is predicted to result in premature protein termination (p.Arg3092*). To our knowledge, this variant has not been reported in the literature. This variant is reported in 0.0065% of alleles in individuals of South Asian descent in gnomAD. Nonsense variants in CENPF are expected to be pathogenic. This variant is interpreted as likely pathogenic.